The following is an entry in ClinVar:

ClinVar aggregate classification (germline): Pathogenic/Likely pathogenic. Review status: criteria provided, multiple submitters, no conflicts (2 of 4 stars). 5 submissions from 5 submitters: Pathogenic (3); Likely pathogenic (2). Last evaluated 2025-06-09.

Conditions:
Nemaline myopathy. Also called: Myopathies, Nemaline. Identifiers: Orphanet 607, MedGen C0206157, MONDO:0018958.
Nemaline myopathy 2 (NEM2). Also called: Nemaline myopathy 2, autosomal recessive. Identifiers: MedGen C1850569, MONDO:0009725, OMIM 256030.
Arthrogryposis multiplex congenita 6. Identifiers: MedGen C5543431, MONDO:0030281, OMIM 619334.

Submissions (5):

Natera, Inc.
Classification: Likely pathogenic for Nemaline myopathy type 2. Last evaluated: 2025-06-09. Review status: criteria provided, single submitter. Criteria: Natera Variant Classification Schema (03/2026). Collection method: clinical testing. Allele origin: germline.
Comment: The c.24194_24197dup variant in NEB is a frameshift variant predicted to shift the reading frame beginning at codon 8066 and leads to a stop codon 8 codons downstream. This variant is expected to result in nonsense mediated decay, truncation, or a dysfunctional protein product. This variant is rare in the general population with a frequency below the threshold expected for the associated phenotype(s). Given the available evidence, this variant is classified as Likely Pathogenic.

Women's Health and Genetics/Laboratory Corporation of America, LabCorp
Classification: Pathogenic for Nemaline myopathy. Last evaluated: 2023-08-15. Review status: criteria provided, single submitter. Criteria: LabCorp Variant Classification Summary - May 2015. Collection method: clinical testing. Allele origin: germline.
Comment: Variant summary: NEB c.24194_24197dupAACA (p.His8066GlnfsX8) results in a premature termination codon, predicted to cause a truncation of the encoded protein or absence of the protein due to nonsense mediated decay, which are commonly known mechanisms for disease. The variant was absent in 143952 control chromosomes. To our knowledge, no occurrence of c.24194_24197dupAACA in individuals affected with Nemaline Myopathy 2 and no experimental evidence demonstrating its impact on protein function have been reported. Two submitters have cited clinical-significance assessments for this variant to ClinVar after 2014. All submitters classified the variant as pathogenic. Based on the evidence outlined above, the variant was classified as pathogenic.

Labcorp Genetics (formerly Invitae), Labcorp
Classification: Pathogenic for Nemaline myopathy 2. Last evaluated: 2022-10-05. Review status: criteria provided, single submitter. Criteria: Invitae Variant Classification Sherloc (09022015). Collection method: clinical testing. Allele origin: germline.
Comment: This sequence change creates a premature translational stop signal (p.His8066Glnfs*8) in the NEB gene. It is expected to result in an absent or disrupted protein product. Loss-of-function variants in NEB are known to be pathogenic (PMID: 25205138). This variant is not present in population databases (gnomAD no frequency). This variant has not been reported in the literature in individuals affected with NEB-related conditions. ClinVar contains an entry for this variant (Variation ID: 1430704). Algorithms developed to predict the effect of sequence changes on RNA splicing suggest that this variant may disrupt the consensus splice site. For these reasons, this variant has been classified as Pathogenic.

Baylor Genetics
Classification: Likely pathogenic for Arthrogryposis multiplex congenita 6. Last evaluated: 2022-06-30. Review status: criteria provided, single submitter. Criteria: ACMG Guidelines, 2015. Collection method: clinical testing. Allele origin: unknown.

Mendelics
Classification: Pathogenic for Nemaline myopathy 2. Last evaluated: 2022-05-04. Review status: criteria provided, single submitter. Criteria: Mendelics Assertion Criteria 2019. Collection method: clinical testing. Allele origin: germline.

Literature cited by the submitters: PubMed 25205138 (cited by Labcorp Genetics (formerly Invitae), Labcorp).

NM_001164508.2(NEB):c.24089_24092dup (p.His8031fs)

Genes: NEB (nebulin; minus strand), RIF1 (replication timing regulatory factor 1; plus strand). Cytogenetic location: 2q23.3.
Variant type: Duplication.
Coding change: c.24089_24092dup on transcript NM_001164508.2 (MANE Select); coding-DNA positions 24089 to 24092, 4 bases duplicated (AACA; older notation c.24089_24092dupAACA).
Protein change: p.His8031fs; shifts the reading frame from histidine 8031.
Molecular consequence: frameshift variant. On other transcripts: intron variant (1).
Genome position (GRCh38, 1-based): chr2:151,499,320-151,499,323, TGTT duplicated on the plus strand (AACA on the coding strand, the reverse complement: NEB is on the minus strand); duplicating any 4 consecutive bases within chr2:151,499,320-151,499,325 gives the same sequence; the c. name uses the placement nearest the transcript's 3' end. VCF-style (leftmost placement, unchanged base first): chr2-151499319-G-GTGTT. GRCh37 (hg19) VCF-style: chr2-152355833-G-GTGTT.
Other names: c.24194_24197dupAACA (NM_001271208.1); c.24194_24197dup (NM_001271208.1); c.24089_24092dup, p.His8031fs (NM_001164507.2); c.24194_24197dup, p.His8066fs (NM_001271208.2); c.18826-2955_18826-2952dup (NM_004543.5); short protein forms H8031fs, H8066fs.
Identifiers: ClinVar variation 1430704 (VCV001430704.9), dbSNP rs2153020985, ClinGen allele CA2573133321.